The following is an entry in ClinVar:

ClinVar aggregate classification (germline): Uncertain significance. Review status: criteria provided, multiple submitters, no conflicts (2 of 4 stars). 2 submissions from 2 submitters: Uncertain significance (2). Last evaluated 2025-10-22.

Allele frequency attached by ClinVar (database versions not stated): gnomAD 0.00001; gnomAD exomes 0.00001; TOPMed 0.00001; ExAC 0.00002.

Submissions (2):

Ambry Genetics
Classification: Uncertain significance. Last evaluated: 2025-10-22. Review status: criteria provided, single submitter. Criteria: Ambry Variant Classification Scheme 2023. Collection method: clinical testing. Allele origin: germline.

Labcorp Genetics (formerly Invitae), Labcorp
Classification: Uncertain significance. Last evaluated: 2024-03-01. Review status: criteria provided, single submitter. Criteria: Invitae Variant Classification Sherloc (09022015). Collection method: clinical testing. Allele origin: germline.
Comment: This sequence change replaces proline, which is neutral and non-polar, with serine, which is neutral and polar, at codon 11 of the ANKZF1 protein (p.Pro11Ser). This variant is present in population databases (rs767131449, gnomAD 0.006%). This variant has not been reported in the literature in individuals affected with ANKZF1-related conditions. ClinVar contains an entry for this variant (Variation ID: 2414442). Algorithms developed to predict the effect of missense changes on protein structure and function output the following: SIFT: "Not Available"; PolyPhen-2: "Benign"; Align-GVGD: "Not Available". The serine amino acid residue is found in multiple mammalian species, which suggests that this missense change does not adversely affect protein function. In summary, the available evidence is currently insufficient to determine the role of this variant in disease. Therefore, it has been classified as a Variant of Uncertain Significance.

NM_018089.3(ANKZF1):c.31C>T (p.Pro11Ser)

Gene: ANKZF1 (ankyrin repeat and zinc finger peptidyl tRNA hydrolase 1; plus strand). Cytogenetic location: 2q35.
Variant type: single nucleotide variant.
Coding change: c.31C>T on transcript NM_018089.3 (MANE Select); coding-DNA position 31, C replaced by T.
Protein change: p.Pro11Ser; replaces proline 11 with serine.
Molecular consequence: missense variant. On other transcripts: intron variant (1).
Genome position (GRCh38, 1-based): chr2:219,230,288, C>T. VCF-style: chr2-219230288-C-T. GRCh37 (hg19) VCF-style: chr2-220095010-C-T.
Other names: c.31C>T (NM_018089.2); c.31C>T, p.Pro11Ser (NM_001042410.2); c.-267+388C>T (NM_001282792.2); short protein forms P11S.
Identifiers: ClinVar variation 2414442 (VCV002414442.7), dbSNP rs767131449, ClinGen allele CA2120589.